The following is an entry in ClinVar:

NM_001378414.1(HDAC4):c.1006C>G (p.Arg336Gly)

Gene: HDAC4 (histone deacetylase 4; minus strand). Cytogenetic location: 2q37.3.
Variant type: single nucleotide variant.
Coding change: c.1006C>G on transcript NM_001378414.1 (MANE Select); coding-DNA position 1006, C replaced by G.
Protein change: p.Arg336Gly; replaces arginine 336 with glycine.
Molecular consequence: missense variant.
Genome position (GRCh38, 1-based): chr2:239,134,616, G>C on the plus strand (C>G on the coding strand, the complement: HDAC4 is on the minus strand). VCF-style: chr2-239134616-G-C. GRCh37 (hg19) VCF-style: chr2-240056312-G-C.
Other names: c.1006C>G, p.Arg336Gly (NM_001378415.1, NM_001378416.1, NM_001378417.1 and 1 more transcripts); short protein forms R336G.
Identifiers: ClinVar variation 2418822 (VCV002418822.6), dbSNP rs757172026, ClinGen allele CA2199946.
Genomic context (GRCh38, chr2:239,134,616, plus strand): 5'-GCGTGATGTTGGGCAAGGATGGCGATGTGTAGAGGGGAAGTGGAGCGGCCGAGCCTTCTC[G>C]TGCCACAAGTCTGTGCGCCAAACTCGTCTGGGGACAGAACACACGATGACCATCACAGTC-3'
Protein context (NP_001365343.1, residues 326-346): ETSLAHRLVA[Arg336Gly]EGSAAPLPLY

ClinVar aggregate classification (germline): Uncertain significance (1 of 4 stars; one submission).

gnomAD v4.1: 38 of 1,614,094 alleles (0.0024%); highest among the groups gnomAD compares: Non-Finnish European, 0.0031%; no homozygotes.

Submission:

Labcorp Genetics (formerly Invitae), Labcorp
Classification: Uncertain significance. Last evaluated: 2024-05-21. Review status: criteria provided, single submitter. Criteria: Invitae Variant Classification Sherloc (09022015). Collection method: clinical testing. Allele origin: germline.
Comment: This sequence change replaces arginine, which is basic and polar, with glycine, which is neutral and non-polar, at codon 336 of the HDAC4 protein (p.Arg336Gly). This variant is present in population databases (rs757172026, gnomAD 0.002%). This variant has not been reported in the literature in individuals affected with HDAC4-related conditions. ClinVar contains an entry for this variant (Variation ID: 2418822). An algorithm developed to predict the effect of missense changes on protein structure and function (PolyPhen-2) suggests that this variant is likely to be disruptive. In summary, the available evidence is currently insufficient to determine the role of this variant in disease. Therefore, it has been classified as a Variant of Uncertain Significance.